The following is an entry in ClinVar:

NM_004304.5(ALK):c.2404GAA[2] (p.Glu804del)

Gene: ALK (ALK receptor tyrosine kinase; minus strand). Cytogenetic location: 2p23.2.
Variant type: Microsatellite.
Coding change: c.2404GAA[2] on transcript NM_004304.5 (MANE Select); two copies in a row of the 3-base unit GAA starting at c.2404; the reference has three copies in a row; one copy, 3 bases deleted; also written c.2410_2412del.
Protein change: p.Glu804del; deletes glutamic acid 804.
Molecular consequence: inframe deletion.
Genome position (GRCh38, 1-based): chr2:29,233,640-29,233,642, TTC deleted on the plus strand (GAA on the coding strand, the reverse complement: ALK is on the minus strand); deleting any 3 consecutive bases within chr2:29,233,640-29,233,649 gives the same sequence; the position shown is the placement nearest the transcript's 3' end. VCF-style (leftmost placement, unchanged base first): chr2-29233639-TTTC-T. GRCh37 (hg19) VCF-style: chr2-29456505-TTTC-T.
Other names: c.2410_2412del (NM_004304.4); short protein forms E804del.
Identifiers: ClinVar variation 575390 (VCV000575390.11), dbSNP rs1558630567, ClinGen allele CA891842897.

ClinVar aggregate classification (germline): Uncertain significance. Review status: criteria provided, multiple submitters, no conflicts (2 of 4 stars). 2 submissions from 2 submitters: Uncertain significance (2). Last evaluated 2025-02-28.

Conditions:
Hereditary cancer-predisposing syndrome. Also called: Hereditary neoplastic syndrome; Tumor predisposition; Hereditary Cancer Syndrome; Neoplastic Syndromes, Hereditary. Identifiers: Orphanet 140162, MedGen C0027672, MeSH D009386, MONDO:0015356.
Neuroblastoma, susceptibility to, 3. Also called: ALK-Related Neuroblastic Tumor Susceptibility. Identifiers: Orphanet 635, MedGen C2751681, MONDO:0013083, OMIM 613014.

Submissions (2):

Ambry Genetics
Classification: Uncertain significance for Hereditary cancer-predisposing syndrome. Last evaluated: 2025-02-28. Review status: criteria provided, single submitter. Criteria: Ambry Variant Classification Scheme 2023. Collection method: clinical testing. Allele origin: germline.
Comment: The c.2410_2412delGAA variant (also known as p.E804del) is located in coding exon 14 of the ALK gene. This variant results from an in-frame GAA deletion at nucleotide positions 2410 to 2412. This results in the in-frame deletion of a glutamic acid at codon 804. This amino acid position is well conserved in available vertebrate species. In addition, this alteration is predicted to be deleterious by in silico analysis (Choi Y et al. PLoS ONE. 2012; 7(10):e46688). Based on the available evidence, the clinical significance of this variant remains unclear.

Labcorp Genetics (formerly Invitae), Labcorp
Classification: Uncertain significance for Neuroblastoma, susceptibility to, 3. Last evaluated: 2024-07-04. Review status: criteria provided, single submitter. Criteria: Invitae Variant Classification Sherloc (09022015). Collection method: clinical testing. Allele origin: germline.
Comment: This variant, c.2410_2412del, results in the deletion of 1 amino acid(s) of the ALK protein (p.Glu804del), but otherwise preserves the integrity of the reading frame. This variant is not present in population databases (gnomAD no frequency). This variant has not been reported in the literature in individuals affected with ALK-related conditions. ClinVar contains an entry for this variant (Variation ID: 575390). Experimental studies and prediction algorithms are not available or were not evaluated, and the functional significance of this variant is currently unknown. In summary, the available evidence is currently insufficient to determine the role of this variant in disease. Therefore, it has been classified as a Variant of Uncertain Significance.